The following is an entry in ClinVar:

NM_000432.4(MYL2):c.289G>T (p.Glu97Ter)

Gene: MYL2 (myosin light chain 2; minus strand). Cytogenetic location: 12q24.11.
Variant type: single nucleotide variant.
Coding change: c.289G>T on transcript NM_000432.4 (MANE Select); coding-DNA position 289, G replaced by T.
Protein change: p.Glu97Ter; replaces glutamic acid 97 with a stop codon.
Molecular consequence: nonsense.
Genome position (GRCh38, 1-based): chr12:110,913,310, C>A on the plus strand (G>T on the coding strand, the complement: MYL2 is on the minus strand). VCF-style: chr12-110913310-C-A. GRCh37 (hg19) VCF-style: chr12-111351114-C-A.
Other names: short protein forms E97*.
Identifiers: ClinVar variation 489317 (VCV000489317.2), dbSNP rs1555257777, ClinGen allele CA386698118.
Genomic context (GRCh38, chr12:110,913,310, plus strand): 5'-CAGCCTTCAGCACCCCTTTGCCTTCAGGGTCAAACACTTTGAATGCGTTGAGAATGGTTT[C>A]CTCAGGGTCCGCTCCTGAAACGGAACACAGGGCTTACATGTACTGGGGGTGGCTGGGAAC-3'

ClinVar aggregate classification (germline): Uncertain significance (1 of 4 stars; one submission).

Allele frequency attached by ClinVar (database versions not stated): gnomAD exomes below 0.00001.
gnomAD v4.1: 1 of 1,614,204 alleles (0.000062%); highest among the groups gnomAD compares: South Asian, 0.0011%; no homozygotes.

Submission:

GeneDx
Classification: Uncertain significance. Last evaluated: 2017-12-21. Review status: criteria provided, single submitter. Criteria: GeneDx Variant Classification (06012015). Collection method: clinical testing. Allele origin: germline. Affected: yes.
Comment: The E97X variant in the MYL2 gene has not been reported previously as a pathogenic variant nor as a benign variant, to our knowledge. This variant is predicted to cause loss of normal protein function either through protein truncation or nonsense-mediated mRNA decay. The E97X variant is not observed in large population cohorts (Lek et al., 2016). We interpret E97X as a variant of uncertain significance.